The following is an entry in ClinVar:

ClinVar aggregate classification (germline): Pathogenic (1 of 4 stars; one submission).

Conditions:
Juvenile polyposis/hereditary hemorrhagic telangiectasia syndrome (JPHT). Also called: Juvenile Polyposis Syndrome / Hereditary Hemorrhagic Telangiectasia (JPS/HHT); JP/HHT SYNDROME; JUVENILE POLYPOSIS WITH HEREDITARY HEMORRHAGIC TELANGIECTASIA; POLYPOSIS, GENERALIZED JUVENILE, WITH PULMONARY ARTERIOVENOUS MALFORMATION; TELANGIECTASIA, HEREDITARY HEMORRHAGIC, WITH JUVENILE POLYPOSIS COLI. Identifiers: Orphanet 2929, MedGen C1832942, MONDO:0008278, OMIM 175050.

Submission:

Myriad Genetics, Inc.
Classification: Pathogenic for Juvenile polyposis/hereditary hemorrhagic telangiectasia syndrome. Last evaluated: 2024-02-09. Review status: criteria provided, single submitter. Criteria: Myriad Autosomal Dominant, Autosomal Recessive and X-Linked Classification Criteria (2023). Collection method: clinical testing. Allele origin: unknown.
Comment: This variant is considered pathogenic. This variant creates a frameshift predicted to result in premature protein truncation.

NM_005359.6(SMAD4):c.593del (p.Pro198fs)

Gene: SMAD4 (SMAD family member 4; plus strand). Cytogenetic location: 18q21.2.
Variant type: Deletion.
Coding change: c.593del on transcript NM_005359.6 (MANE Select); coding-DNA position 593, one base deleted (C; older notation c.593delC).
Protein change: p.Pro198fs; shifts the reading frame from proline 198.
Molecular consequence: frameshift variant. On other transcripts: non-coding transcript variant (2).
Genome position (GRCh38, 1-based): chr18:51,054,919, C deleted; the last of 4 consecutive C bases (chr18:51,054,916-51,054,919); deleting any one gives the same sequence. VCF-style (leftmost placement, unchanged base first): chr18-51054915-AC-A. GRCh37 (hg19) VCF-style: chr18-48581285-AC-A.
Other names: c.593del, p.Pro198fs (NM_001407041.1, NM_001407042.1, NM_001407043.1); short protein forms P198fs.
Identifiers: ClinVar variation 3148020 (VCV003148020.1), dbSNP rs2511374618, ClinGen allele CA2825002692.